The following is an entry in ClinVar:

ClinVar aggregate classification (germline): Uncertain significance (1 of 4 stars; one submission).

Conditions:
Familial temporal lobe epilepsy 7. Identifiers: Orphanet 101046, MedGen C4225327, MONDO:0014639, OMIM 616436.
Norman-Roberts syndrome (LIS2). Also called: Lissencephaly 2 (Norman-Roberts type). Identifiers: Orphanet 89844, MedGen C0796089, MONDO:0009760, OMIM 257320.

Allele frequency attached by ClinVar (database versions not stated): gnomAD exomes below 0.00001.
gnomAD v4.1: 1 of 1,613,988 alleles (0.000062%); highest among the groups gnomAD compares: Non-Finnish European, 0.000085%; no homozygotes.

Submission:

Labcorp Genetics (formerly Invitae), Labcorp
Classification: Uncertain significance for Familial temporal lobe epilepsy 7; Norman-Roberts syndrome. Last evaluated: 2021-02-03. Review status: criteria provided, single submitter. Criteria: Invitae Variant Classification Sherloc (09022015). Collection method: clinical testing. Allele origin: germline.
Comment: This variant is not present in population databases (ExAC no frequency). This variant has not been reported in the literature in individuals with RELN-related conditions. Algorithms developed to predict the effect of missense changes on protein structure and function are either unavailable or do not agree on the potential impact of this missense change (SIFT: "Deleterious"; PolyPhen-2: "Benign"; Align-GVGD: "Class C0"). In summary, the available evidence is currently insufficient to determine the role of this variant in disease. Therefore, it has been classified as a Variant of Uncertain Significance. This sequence change replaces serine with glycine at codon 717 of the RELN protein (p.Ser717Gly). The serine residue is moderately conserved and there is a small physicochemical difference between serine and glycine.

NM_005045.4(RELN):c.2149A>G (p.Ser717Gly)

Gene: RELN (reelin; minus strand). Cytogenetic location: 7q22.1.
Variant type: single nucleotide variant.
Coding change: c.2149A>G on transcript NM_005045.4 (MANE Select); coding-DNA position 2149, A replaced by G.
Protein change: p.Ser717Gly; replaces serine 717 with glycine.
Molecular consequence: missense variant.
Genome position (GRCh38, 1-based): chr7:103,636,389, T>C on the plus strand (A>G on the coding strand, the complement: RELN is on the minus strand). VCF-style: chr7-103636389-T-C. GRCh37 (hg19) VCF-style: chr7-103276836-T-C.
Other names: c.2149A>G, p.Ser717Gly (NM_173054.3); short protein forms S717G.
Identifiers: ClinVar variation 1477234 (VCV001477234.8), dbSNP rs2117351584, ClinGen allele CA368762092.